The following is an entry in ClinVar:

NM_001004341.2(ETV3L):c.453_456delinsTGGGTGTGCAGCGTGGGTGT (p.Pro152fs)

Gene: ETV3L (ETS variant transcription factor 3 like; minus strand). Cytogenetic location: 1q23.1.
Variant type: Indel.
Coding change: c.453_456delinsTGGGTGTGCAGCGTGGGTGT on transcript NM_001004341.2 (MANE Select); coding-DNA positions 453 to 456, GCCA replaced by TGGGTGTGCAGCGTGGGTGT.
Protein change: p.Pro152fs; shifts the reading frame from proline 152.
Molecular consequence: frameshift variant.
Genome position (GRCh38, 1-based): chr1:157,098,736-157,098,739, TGGC replaced by ACACCCACGCTGCACACCCA on the plus strand (GCCA replaced by TGGGTGTGCAGCGTGGGTGT on the coding strand, the reverse complement: ETV3L is on the minus strand). VCF-style: chr1-157098736-TGGC-ACACCCACGCTGCACACCCA. GRCh37 (hg19) VCF-style: chr1-157068528-TGGC-ACACCCACGCTGCACACCCA.
Other names: short protein forms P152fs.
Identifiers: ClinVar variation 4993558 (VCV004993558.1).

ClinVar aggregate classification (germline): Uncertain significance (1 of 4 stars; one submission).

Conditions:
ETV3L-related disorder. Also called: ETV3L-related condition.

Submission:

PreventionGenetics, part of Exact Sciences
Classification: Uncertain significance for ETV3L-related condition. Last evaluated: 2026-03-30. Review status: criteria provided, single submitter. Criteria: ACMG Guidelines, 2015. Collection method: clinical testing. Allele origin: germline.
Comment: The ETV3L c.453_456delinsTGGGTGTGCAGCGTGGGTGT variant is predicted to result in a frameshift and premature protein termination (p.Pro152Glyfs*16). To our knowledge, this variant has not been reported in the literature or in a large population database (gnomAD), indicating this variant is rare. At this time, the clinical significance of this variant is uncertain due to the absence of conclusive functional and genetic evidence.